The following is an entry in ClinVar:

NM_175914.5(HNF4A):c.*700T>C

Gene: HNF4A (hepatocyte nuclear factor 4 alpha; plus strand). Cytogenetic location: 20q13.12.
Variant type: single nucleotide variant.
Coding change: c.*700T>C on transcript NM_175914.5 (MANE Select); 700 bases downstream of the stop codon, T replaced by C.
Molecular consequence: 3 prime UTR variant.
Genome position (GRCh38, 1-based): chr20:44,430,365, T>C. VCF-style: chr20-44430365-T-C. GRCh37 (hg19) VCF-style: chr20-43059005-T-C.
Other names: c.*700T>C (NM_000457.6, NM_001030003.3, NM_001258355.2 and 3 more transcripts).
Identifiers: ClinVar variation 338445 (VCV000338445.9), dbSNP rs114764820, ClinGen allele CA10653124.

ClinVar aggregate classification (germline): Benign. Review status: criteria provided, multiple submitters, no conflicts (2 of 4 stars). 4 submissions from 3 submitters: Benign (4). Last evaluated 2021-05-13.

Conditions:
Familial hyperinsulinism. Also called: Congenital hyperinsulinism. Identifiers: Orphanet 276525, MedGen C3888018, MONDO:0017182. Disease mechanism: loss of function.
Maturity-onset diabetes of the young type 1. Also called: MILD JUVENILE DIABETES MELLITUS; MODY, type I; MODY type 1; Diabetes mellitus MODY type 1; MODY HNF4A related; HNF4A-Related Maturity-Onset Diabetes of the Young Type 1. Identifiers: Orphanet 552, MedGen C1852093, MONDO:0007452, OMIM 125850. Disease mechanism: loss of function.
Maturity-onset diabetes of the young (MODY). Also called: Maturity onset diabetes mellitus in young. Identifiers: Orphanet 552, MedGen C0342276, MONDO:0018911, HP:0004904.

Allele frequency attached by ClinVar (database versions not stated): gnomAD 0.02093 and 0.02223; TOPMed 0.02398; 1000 Genomes Project 0.02536; 1000 Genomes Project 30x 0.02748.

Submissions (4):

GeneDx
Classification: Benign. Last evaluated: 2021-05-13. Review status: criteria provided, single submitter. Criteria: GeneDx Variant Classification Process June 2021. Collection method: clinical testing. Allele origin: germline. Affected: yes.

Illumina Laboratory Services, Illumina
Classification: Benign for Maturity-onset diabetes of the young type 1. Last evaluated: 2018-01-13. Review status: criteria provided, single submitter. Criteria: ICSL Variant Classification Criteria 13 December 2019. Collection method: clinical testing. Allele origin: germline.
Comment: This variant was observed in the ICSL laboratory as part of a predisposition screen in an ostensibly healthy population. It had not been previously curated by ICSL or reported in the Human Gene Mutation Database (HGMD: prior to June 1st, 2018), and was therefore a candidate for classification through an automated scoring system. Utilizing variant allele frequency, disease prevalence and penetrance estimates, and inheritance mode, an automated score was calculated to assess if this variant is too frequent to cause the disease. Based on the score and internal cut-off values, a variant classified as benign is not then subjected to further curation. The score for this variant resulted in a classification of benign for this disease.

Illumina Laboratory Services, Illumina
Classification: Benign for Familial hyperinsulinism. Last evaluated: 2018-01-13. Review status: criteria provided, single submitter. Criteria: ICSL Variant Classification Criteria 13 December 2019. Collection method: clinical testing. Allele origin: germline.
Comment: the same text as in the submission from Illumina Laboratory Services, Illumina above.

Clinical Genomics, Uppaluri K&H Personalized Medicine Clinic
Classification: Benign for Maturity-onset diabetes of the young. Review status: criteria provided, single submitter. Criteria: K & H Uppaluri Personalized Medicine Clinic Variant Classification & Assertion Criteria_Updated V.1. Collection method: research. Allele origin: unknown. Inheritance: Autosomal dominant inheritance.
Comment: Potent mutations in HNF4A are associated with poor insulin secretion in response to hyperglycemia. Associated with MODY1. Patients initially respond well to sulfonylureas but eventually become insulin dependent. However, more evidence is required to ascertain the role of this particular variant rs114764820 in MODY, yet.

Literature cited by the submitters: DOI 10.1159/000334532 (cited by Clinical Genomics, Uppaluri K&H Personalized Medicine Clinic); PubMed 18268044 (cited by Clinical Genomics, Uppaluri K&H Personalized Medicine Clinic); PubMed 17563455 (cited by Clinical Genomics, Uppaluri K&H Personalized Medicine Clinic); PubMed 32583173 (cited by Clinical Genomics, Uppaluri K&H Personalized Medicine Clinic); PubMed 35052457 (cited by Clinical Genomics, Uppaluri K&H Personalized Medicine Clinic); PubMed 35118593 (cited by Clinical Genomics, Uppaluri K&H Personalized Medicine Clinic).